The following is an entry in ClinVar:

ClinVar aggregate classification (germline): Uncertain significance (1 of 4 stars; one submission).

Allele frequency attached by ClinVar (database versions not stated): gnomAD exomes below 0.00001.
gnomAD v4.1: 1 of 1,595,708 alleles (0.000063%); highest among the groups gnomAD compares: Non-Finnish European, 0.000085%; no homozygotes.

Submission:

Labcorp Genetics (formerly Invitae), Labcorp
Classification: Uncertain significance. Last evaluated: 2022-07-06. Review status: criteria provided, single submitter. Criteria: Invitae Variant Classification Sherloc (09022015). Collection method: clinical testing. Allele origin: germline.
Comment: ClinVar contains an entry for this variant (Variation ID: 410793). In summary, the available evidence is currently insufficient to determine the role of this variant in disease. Therefore, it has been classified as a Variant of Uncertain Significance. Algorithms developed to predict the effect of missense changes on protein structure and function are either unavailable or do not agree on the potential impact of this missense change (SIFT: "Deleterious"; PolyPhen-2: "Possibly Damaging"; Align-GVGD: "Class C0"). This missense change has been observed in individual(s) with breast cancer (PMID: 25050558). This variant is not present in population databases (gnomAD no frequency). This sequence change replaces proline, which is neutral and non-polar, with serine, which is neutral and polar, at codon 788 of the RINT1 protein (p.Pro788Ser).

Literature cited by the submitters: PubMed 25050558.

NM_021930.6(RINT1):c.2362C>T (p.Pro788Ser)

Genes: EFCAB10 (EF-hand calcium binding domain 10; minus strand), RINT1 (RAD50 interactor 1; plus strand). Cytogenetic location: 7q22.3.
Variant type: single nucleotide variant.
Coding change: c.2362C>T on transcript NM_021930.6 (MANE Select); coding-DNA position 2362, C replaced by T.
Protein change: p.Pro788Ser; replaces proline 788 with serine.
Molecular consequence: missense variant. On other transcripts: 3 prime UTR variant (2), non-coding transcript variant (1), intron variant (3).
Genome position (GRCh38, 1-based): chr7:105,567,294, C>T. VCF-style: chr7-105567294-C-T. GRCh37 (hg19) VCF-style: chr7-105207741-C-T.
Other names: c.*160G>A (NM_001355527.2, NM_001355529.2); c.2128C>T, p.Pro710Ser (NM_001346599.2); c.1339C>T, p.Pro447Ser (NM_001346600.2, NM_001346603.2); c.1438C>T, p.Pro480Ser (NM_001346601.2); c.360-1847G>A (NM_001355531.2); c.383+173G>A (NM_001355526.2, NM_001355530.2); short protein forms P788S, P480S, P710S, P447S.
Identifiers: ClinVar variation 410793 (VCV000410793.8), dbSNP rs1060503046, ClinGen allele CA16612132.